The following is an entry in ClinVar:

NM_006766.5(KAT6A):c.3775A>G (p.Asn1259Asp)

Gene: KAT6A (lysine acetyltransferase 6A; minus strand). Cytogenetic location: 8p11.21.
Variant type: single nucleotide variant.
Coding change: c.3775A>G on transcript NM_006766.5 (MANE Select); coding-DNA position 3775, A replaced by G.
Protein change: p.Asn1259Asp; replaces asparagine 1259 with aspartic acid.
Molecular consequence: missense variant.
Genome position (GRCh38, 1-based): chr8:41,934,445, T>C on the plus strand (A>G on the coding strand, the complement: KAT6A is on the minus strand). VCF-style: chr8-41934445-T-C. GRCh37 (hg19) VCF-style: chr8-41791963-T-C.
Other names: short protein forms N1259D.
Identifiers: ClinVar variation 1696604 (VCV001696604.6), dbSNP rs1240578716, ClinGen allele CA371068410.

ClinVar aggregate classification (germline): Uncertain significance. Review status: criteria provided, multiple submitters, no conflicts (2 of 4 stars). 2 submissions from 2 submitters: Uncertain significance (2). Last evaluated 2022-04-28.

Conditions:
Autosomal dominant intellectual disability-craniofacial anomalies-cardiac defects syndrome (ARTHS). Also called: Mental retardation, autosomal dominant 32; KAT6A syndrome; Arboleda-Tham syndrome. Identifiers: Orphanet 457193, MedGen C4225396, MONDO:0014558, OMIM 616268.

Allele frequency attached by ClinVar (database versions not stated): gnomAD exomes below 0.00001.
gnomAD v4.1: 2 of 1,607,270 alleles (0.00012%); highest among the groups gnomAD compares: Admixed American, 0.0034%; no homozygotes.

Submissions (2):

Labcorp Genetics (formerly Invitae), Labcorp
Classification: Uncertain significance. Last evaluated: 2022-04-28. Review status: criteria provided, single submitter. Criteria: Invitae Variant Classification Sherloc (09022015). Collection method: clinical testing. Allele origin: germline.
Comment: This sequence change replaces asparagine, which is neutral and polar, with aspartic acid, which is acidic and polar, at codon 1259 of the KAT6A protein (p.Asn1259Asp). This variant is not present in population databases (gnomAD no frequency). This variant has not been reported in the literature in individuals affected with KAT6A-related conditions. Algorithms developed to predict the effect of missense changes on protein structure and function are either unavailable or do not agree on the potential impact of this missense change (SIFT: "Tolerated"; PolyPhen-2: "Not Available"; Align-GVGD: "Class C0"). In summary, the available evidence is currently insufficient to determine the role of this variant in disease. Therefore, it has been classified as a Variant of Uncertain Significance.

New York Genome Center
Classification: Uncertain significance for Autosomal dominant intellectual disability-craniofacial anomalies-cardiac defects syndrome. Last evaluated: 2021-07-30. Review status: criteria provided, single submitter. Criteria: NYGC Assertion Criteria 2020. Collection method: clinical testing. Allele origin: inherited. Observed: 1 heterozygote. Study: CSER-NYCKidSeq.